The following is an entry in ClinVar:

NM_024422.6(DSC2):c.1291A>G (p.Met431Val)

Gene: DSC2 (desmocollin 2; minus strand). Cytogenetic location: 18q12.1.
Variant type: single nucleotide variant.
Coding change: c.1291A>G on transcript NM_024422.6 (MANE Select); coding-DNA position 1291, A replaced by G.
Protein change: p.Met431Val; replaces methionine 431 with valine.
Molecular consequence: missense variant.
Genome position (GRCh38, 1-based): chr18:31,080,325, T>C on the plus strand (A>G on the coding strand, the complement: DSC2 is on the minus strand). VCF-style: chr18-31080325-T-C. GRCh37 (hg19) VCF-style: chr18-28660291-T-C.
Other names: c.1291A>G, p.Met431Val (NM_004949.5); short protein forms M431V.
Identifiers: ClinVar variation 924484 (VCV000924484.9), dbSNP rs377287621, ClinGen allele CA030829.
Genomic context (GRCh38, chr18:31,080,325, plus strand): 5'-ATCTTGGACTAGCCTCTCTGGAAAATGGAGCTTCATTAACTACACCAATTTGCAAGATCA[T>C]CTGTTGCTTTTCTTCATAATTCAAAGGCTACGAAAGCAAATGTATTGAAAAATCAGATGA-3'
Protein context (NP_077740.1, residues 421-441): KPLNYEEKQQ[Met431Val]ILQIGVVNEA

ClinVar aggregate classification (germline): Conflicting classifications of pathogenicity. Review status: criteria provided, conflicting classifications (1 of 4 stars). 3 submissions from 3 submitters: Uncertain significance (1); Likely benign (2). Last evaluated 2024-10-22.

Conditions:
Cardiovascular phenotype. Identifiers: MedGen CN230736.
Cardiomyopathy (CMYO). Also called: Cardiomyopathies. Identifiers: Orphanet 167848, MedGen C0878544, MONDO:0004994, HP:0001638. Inheritance: Various modes of inheritance.
Arrhythmogenic right ventricular dysplasia 11. Also called: ARRHYTHMOGENIC RIGHT VENTRICULAR DYSPLASIA, FAMILIAL, 11; Arrhythmogenic Right Ventricular Dysplasia/Cardiomyopathy11; Arrhythmogenic right ventricular dysplasia 11 with mild palmoplantar keratoderma and woolly hair. Identifiers: MedGen C1864850, MONDO:0012506, OMIM 610476.

Allele frequency attached by ClinVar (database versions not stated): gnomAD exomes 0.00001 and 0.00002; gnomAD 0.00006; ExAC 0.00002; ESP Exome Variant Server 0.00008; TOPMed 0.00009.
gnomAD v4.1: 20 of 1,613,944 alleles (0.0012%); highest among the groups gnomAD compares: African/African-American, 0.023%; no homozygotes.

Submissions (3):

Labcorp Genetics (formerly Invitae), Labcorp
Classification: Uncertain significance for Arrhythmogenic right ventricular dysplasia 11. Last evaluated: 2024-10-22. Review status: criteria provided, single submitter. Criteria: Invitae Variant Classification Sherloc (09022015). Collection method: clinical testing. Allele origin: germline.
Comment: This sequence change replaces methionine, which is neutral and non-polar, with valine, which is neutral and non-polar, at codon 431 of the DSC2 protein (p.Met431Val). This variant is present in population databases (rs377287621, gnomAD 0.02%). This variant has not been reported in the literature in individuals affected with DSC2-related conditions. ClinVar contains an entry for this variant (Variation ID: 924484). Invitae Evidence Modeling of protein sequence and biophysical properties (such as structural, functional, and spatial information, amino acid conservation, physicochemical variation, residue mobility, and thermodynamic stability) indicates that this missense variant is not expected to disrupt DSC2 protein function with a negative predictive value of 80%. In summary, the available evidence is currently insufficient to determine the role of this variant in disease. Therefore, it has been classified as a Variant of Uncertain Significance.

Color Diagnostics, LLC DBA Color Health
Classification: Likely benign for Cardiomyopathy. Last evaluated: 2024-08-27. Review status: criteria provided, single submitter. Criteria: ACMG Guidelines, 2015. Collection method: clinical testing. Allele origin: germline.

Ambry Genetics
Classification: Likely benign for Cardiovascular phenotype. Last evaluated: 2021-10-07. Review status: criteria provided, single submitter. Criteria: Ambry Variant Classification Scheme 2023. Collection method: clinical testing. Allele origin: germline.